The following is an entry in ClinVar:

ClinVar aggregate classification (germline): Conflicting classifications of pathogenicity. Review status: criteria provided, conflicting classifications (1 of 4 stars). 5 submissions from 5 submitters: Uncertain significance (1); Benign (1); Likely benign (2). 1 of the submissions does not count toward it. Last evaluated 2026-02-01.

Conditions:
SYNE2-related disorder. Also called: SYNE2-related condition.
Emery-Dreifuss muscular dystrophy 5, autosomal dominant (EDMD5). Also called: EMERY-DREIFUSS MUSCULAR DYSTROPHY 5. Identifiers: Orphanet 261, MedGen C2751805, MONDO:0013072, OMIM 612999.

Allele frequency attached by ClinVar (database versions not stated): gnomAD 0.00006 and 0.00007; gnomAD exomes 0.00007 and 0.00035; TOPMed 0.00015; 1000 Genomes Project 30x 0.00016; 1000 Genomes Project 0.00020; ExAC 0.00036.
gnomAD v4.1: 108 of 1,614,232 alleles (0.0067%); highest among the groups gnomAD compares: Admixed American, 0.17%; 1 homozygote.

Submissions (5):

CeGaT Center for Human Genetics Tuebingen
Classification: Likely benign. Last evaluated: 2026-02-01. Review status: criteria provided, single submitter. Criteria: CeGaT Center For Human Genetics Tuebingen Variant Classification Criteria Version 2. Collection method: clinical testing. Allele origin: germline. Affected: yes. Observed: 1 variant allele.
Comment: SYNE2: BP4, BS1

Labcorp Genetics (formerly Invitae), Labcorp
Classification: Likely benign for Emery-Dreifuss muscular dystrophy 5, autosomal dominant. Last evaluated: 2025-10-19. Review status: criteria provided, single submitter. Criteria: Invitae Variant Classification Sherloc (09022015). Collection method: clinical testing. Allele origin: germline.

Illumina Laboratory Services, Illumina
Classification: Benign for Emery-Dreifuss muscular dystrophy 5, autosomal dominant. Last evaluated: 2018-01-13. Review status: criteria provided, single submitter. Criteria: ICSL Variant Classification Criteria 13 December 2019. Collection method: clinical testing. Allele origin: germline.
Comment: This variant was observed in the ICSL laboratory as part of a predisposition screen in an ostensibly healthy population. It had not been previously curated by ICSL or reported in the Human Gene Mutation Database (HGMD: prior to June 1st, 2018), and was therefore a candidate for classification through an automated scoring system. Utilizing variant allele frequency, disease prevalence and penetrance estimates, and inheritance mode, an automated score was calculated to assess if this variant is too frequent to cause the disease. Based on the score and internal cut-off values, a variant classified as benign is not then subjected to further curation. The score for this variant resulted in a classification of benign for this disease.

Eurofins Ntd Llc (ga)
Classification: Uncertain significance. Last evaluated: 2015-09-03. Review status: criteria provided, single submitter. Criteria: EGL Classification Definitions 2015. Collection method: clinical testing. Allele origin: germline. Observed: 2 variant alleles, 2 heterozygotes.

PreventionGenetics, part of Exact Sciences
Classification: Likely benign for SYNE2-related condition. Last evaluated: 2020-01-06. Review status: no assertion criteria provided. Collection method: clinical testing. Allele origin: germline. Not counted in ClinVar's aggregate classification.
Comment: This variant is classified as likely benign based on ACMG/AMP sequence variant interpretation guidelines (Richards et al. 2015 PMID: 25741868, with internal and published modifications).

NM_182914.3(SYNE2):c.19501C>T (p.Pro6501Ser)

Gene: SYNE2 (spectrin repeat containing nuclear envelope protein 2; plus strand). Cytogenetic location: 14q23.2.
Variant type: single nucleotide variant.
Coding change: c.19501C>T on transcript NM_182914.3 (MANE Select); coding-DNA position 19501, C replaced by T.
Protein change: p.Pro6501Ser; replaces proline 6501 with serine.
Molecular consequence: missense variant.
Genome position (GRCh38, 1-based): chr14:64,216,346, C>T. VCF-style: chr14-64216346-C-T. GRCh37 (hg19) VCF-style: chr14-64683064-C-T.
Other names: c.19432C>T, p.Pro6478Ser (NM_015180.6); c.25C>T, p.Pro9Ser (NM_182910.2); c.403C>T, p.Pro135Ser (NM_182913.4); short protein forms P6501S, P9S, P135S, P6478S.
Identifiers: ClinVar variation 282522 (VCV000282522.25), dbSNP rs200937358, ClinGen allele CA7224463.